The following is an entry in ClinVar:

ClinVar aggregate classification (germline): Benign/Likely benign. Review status: criteria provided, multiple submitters, no conflicts (2 of 4 stars). 7 submissions from 7 submitters: Benign (1); Likely benign (5). 1 of the submissions does not count toward it. Last evaluated 2026-01-28.

Conditions:
DICER1-related disorder. Also called: DICER1-related condition.
Hereditary cancer-predisposing syndrome. Also called: Neoplastic Syndromes, Hereditary; Tumor predisposition; Hereditary Cancer Syndrome; Hereditary neoplastic syndrome. Identifiers: Orphanet 140162, MedGen C0027672, MeSH D009386, MONDO:0015356.
DICER1-related tumor predisposition. Also called: DICER1-related pleuropulmonary blastoma cancer predisposition syndrome; DICER1 syndrome. Identifiers: Orphanet 284343, MedGen C3839822, MONDO:0100216.

Allele frequency attached by ClinVar (database versions not stated): gnomAD exomes 0.00004 and 0.00008; ExAC 0.00007; 1000 Genomes Project 30x 0.00016; gnomAD 0.00030; ESP Exome Variant Server 0.00031; TOPMed 0.00036; 1000 Genomes Project below 0.00001.
gnomAD v4.1: 108 of 1,614,162 alleles (0.0067%); highest among the groups gnomAD compares: African/African-American, 0.083%; no homozygotes.

Submissions (7):

Labcorp Genetics (formerly Invitae), Labcorp
Classification: Benign for DICER1-related tumor predisposition. Last evaluated: 2026-01-28. Review status: criteria provided, single submitter. Criteria: Invitae Variant Classification Sherloc (09022015). Collection method: clinical testing. Allele origin: germline.

Quest Diagnostics Nichols Institute San Juan Capistrano
Classification: Likely benign. Last evaluated: 2025-09-17. Review status: criteria provided, single submitter. Criteria: Quest Diagnostics criteria. Collection method: clinical testing. Allele origin: unknown.

Hereditary Cancer Group, L’Institut d'Investigació Biomèdica de Bellvitge
Classification: Likely benign for Hereditary cancer-predisposing syndrome. Last evaluated: 2024-12-19. Review status: criteria provided, single submitter. Criteria: Hatton et al. (Hum Mutat. 2023). Collection method: clinical testing. Allele origin: germline. Inheritance: Autosomal dominant inheritance. Affected: yes.
Comment: BS1, BP4

Blueprint Genetics
Classification: Likely benign. Last evaluated: 2024-10-31. Review status: criteria provided, single submitter. Criteria: ACMG Guidelines, 2015. Collection method: clinical testing. Allele origin: germline.

Sema4
Classification: Likely benign for Hereditary cancer-predisposing syndrome. Last evaluated: 2021-07-23. Review status: criteria provided, single submitter. Criteria: Sema4 Curation Guidelines. Collection method: curation. Allele origin: germline.

Ambry Genetics
Classification: Likely benign for Hereditary cancer-predisposing syndrome. Last evaluated: 2020-09-21. Review status: criteria provided, single submitter. Criteria: Ambry Variant Classification Scheme 2023. Collection method: clinical testing. Allele origin: germline.

PreventionGenetics, part of Exact Sciences
Classification: Likely benign for DICER1-related condition. Last evaluated: 2022-03-18. Review status: no assertion criteria provided. Collection method: clinical testing. Allele origin: germline. Not counted in ClinVar's aggregate classification.
Comment: This variant is classified as likely benign based on ACMG/AMP sequence variant interpretation guidelines (Richards et al. 2015 PMID: 25741868, with internal and published modifications).

Literature cited by the submitters: PubMed 33630087 (cited by Quest Diagnostics Nichols Institute San Juan Capistrano).

NM_177438.3(DICER1):c.3392A>G (p.Asn1131Ser)

Gene: DICER1 (dicer 1, ribonuclease III; minus strand). Cytogenetic location: 14q32.13.
Variant type: single nucleotide variant.
Coding change: c.3392A>G on transcript NM_177438.3 (MANE Select); coding-DNA position 3392, A replaced by G.
Protein change: p.Asn1131Ser; replaces asparagine 1131 with serine.
Molecular consequence: missense variant.
Genome position (GRCh38, 1-based): chr14:95,104,004, T>C on the plus strand (A>G on the coding strand, the complement: DICER1 is on the minus strand). VCF-style: chr14-95104004-T-C. GRCh37 (hg19) VCF-style: chr14-95570341-T-C.
Other names: c.3392A>G, p.Asn1131Ser (NM_001195573.1, NM_001271282.3, NM_001291628.2 and 1 more transcripts); short protein forms N1131S.
Identifiers: ClinVar variation 412181 (VCV000412181.23), dbSNP rs200651335, ClinGen allele CA7331045.
Genomic context (GRCh38, chr14:95,104,004, plus strand): 5'-ACAGACATTTGGTCATGATTTTCTAGAGAGGAGGTTCTATTAGCACCTTGATGTGCAGCA[T>C]TTTCAGGGACAATTGTGCTGTGCTTACAGTAATTATCATTTTCAGCTGAAGAGGAGTTAG-3'
Protein context (NP_803187.1, residues 1121-1141): YCKHSTIVPE[Asn1131Ser]AAHQGANRTS